The following is an entry in ClinVar:

NM_152783.5(D2HGDH):c.517G>A (p.Val173Ile)

Gene: D2HGDH (D-2-hydroxyglutarate dehydrogenase; plus strand). Cytogenetic location: 2q37.3.
Variant type: single nucleotide variant.
Coding change: c.517G>A on transcript NM_152783.5 (MANE Select); coding-DNA position 517, G replaced by A.
Protein change: p.Val173Ile; replaces valine 173 with isoleucine.
Molecular consequence: missense variant. On other transcripts: 5 prime UTR variant (1), non-coding transcript variant (1).
Genome position (GRCh38, 1-based): chr2:241,743,648, G>A. VCF-style: chr2-241743648-G-A. GRCh37 (hg19) VCF-style: chr2-242683063-G-A.
Other names: c.115G>A, p.Val39Ile (NM_001287249.2); c.-45G>A (NM_001352824.2); short protein forms V173I, V39I.
Identifiers: ClinVar variation 432634 (VCV000432634.19), dbSNP rs146408017, ClinGen allele CA2221700.

ClinVar aggregate classification (germline): Conflicting classifications of pathogenicity. Review status: criteria provided, conflicting classifications (1 of 4 stars). 6 submissions from 6 submitters: Uncertain significance (2); Likely benign (3). 1 of the submissions does not count toward it. Last evaluated 2025-10-09.

Conditions:
D2HGDH-related disorder. Also called: D2HGDH-related condition.
D-2-hydroxyglutaric aciduria 1 (D2HGA1). Identifiers: Orphanet 79315, MedGen C3152055, MONDO:0024554, OMIM 600721.

Allele frequency attached by ClinVar (database versions not stated): gnomAD 0.00011 and 0.00018; gnomAD exomes 0.00019 and 0.00045; TOPMed 0.00019; ExAC 0.00040; 1000 Genomes Project 30x 0.00062; 1000 Genomes Project 0.00080.
gnomAD v4.1: 309 of 1,613,866 alleles (0.019%); highest among the groups gnomAD compares: East Asian, 0.48%; 1 homozygote.

Submissions (6):

Labcorp Genetics (formerly Invitae), Labcorp
Classification: Likely benign for D-2-hydroxyglutaric aciduria 1. Last evaluated: 2025-10-09. Review status: criteria provided, single submitter. Criteria: Invitae Variant Classification Sherloc (09022015). Collection method: clinical testing. Allele origin: germline.

Blueprint Genetics
Classification: Likely benign. Last evaluated: 2024-06-10. Review status: criteria provided, single submitter. Criteria: ACMG Guidelines, 2015. Collection method: clinical testing. Allele origin: germline.

Fulgent Genetics
Classification: Uncertain significance for D-2-hydroxyglutaric aciduria 1. Last evaluated: 2018-10-31. Review status: criteria provided, single submitter. Criteria: ACMG Guidelines, 2015. Collection method: clinical testing. Allele origin: unknown.

Illumina Laboratory Services, Illumina
Classification: Likely benign for D-2-hydroxyglutaric aciduria 1. Last evaluated: 2018-01-13. Review status: criteria provided, single submitter. Criteria: ICSL Variant Classification Criteria 13 December 2019. Collection method: clinical testing. Allele origin: germline.
Comment: This variant was observed in the ICSL laboratory as part of a predisposition screen in an ostensibly healthy population. It had not been previously curated by ICSL or reported in the Human Gene Mutation Database (HGMD: prior to June 1st, 2018), and was therefore a candidate for classification through an automated scoring system. Utilizing variant allele frequency, disease prevalence and penetrance estimates, and inheritance mode, an automated score was calculated to assess if this variant is too frequent to cause the disease. Based on the score and internal cut-off values, a variant classified as likely benign is not then subjected to further curation. The score for this variant resulted in a classification of likely benign for this disease.

GeneDx
Classification: Uncertain significance. Last evaluated: 2017-06-06. Review status: criteria provided, single submitter. Criteria: GeneDx Variant Classification (06012015). Collection method: clinical testing. Allele origin: germline. Affected: yes.
Comment: The V173I variant in the D2HGDH gene has not been reported previously as a pathogenic variant, nor as a benign variant, to our knowledge. The V173I variant is observed in 39/8506 (0.46%) alleles from individuals of East Asian background, in the ExAC dataset (Lek et al., 2016). The V173I variant is a conservative amino acid substitution, which is not likely to impact secondary protein structure as these residues share similar properties. This substitution occurs at a position where amino acids with similar properties to Valine are tolerated across species. In silico analysis predicts this variant likely does not alter the protein structure/function. We interpret V173I as a variant of uncertain significance.

PreventionGenetics, part of Exact Sciences
Classification: Likely benign for D2HGDH-related condition. Last evaluated: 2019-05-01. Review status: no assertion criteria provided. Collection method: clinical testing. Allele origin: germline. Not counted in ClinVar's aggregate classification.
Comment: This variant is classified as likely benign based on ACMG/AMP sequence variant interpretation guidelines (Richards et al. 2015 PMID: 25741868, with internal and published modifications).